The following is an entry in ClinVar:

NM_000090.4(COL3A1):c.2823+5_2823+8del

Gene: COL3A1 (collagen type III alpha 1 chain; plus strand). Cytogenetic location: 2q32.2.
Variant type: Microsatellite.
Coding change: c.2823+5_2823+8del on transcript NM_000090.4 (MANE Select); bases 5 to 8 of the intron after coding-DNA position 2823, 4 bases deleted (GTAA; older notation c.2823+5_2823+8delGTAA).
Molecular consequence: splice donor variant.
Genome position (GRCh38, 1-based): chr2:189,004,148-189,004,151, GTAA deleted; deleting any 4 consecutive bases within chr2:189,004,143-189,004,151 gives the same sequence; the c. name uses the placement nearest the transcript's 3' end. VCF-style (leftmost placement, unchanged base first): chr2-189004142-CAGTA-C. GRCh37 (hg19) VCF-style: chr2-189868868-CAGTA-C.
Identifiers: ClinVar variation 2775128 (VCV002775128.2), dbSNP rs2469153780, ClinGen allele CA2662310065.

ClinVar aggregate classification (germline): Uncertain significance (1 of 4 stars; one submission).

Conditions:
Familial thoracic aortic aneurysm and aortic dissection (TAAD). Also called: Thoracic aortic aneurysms and dissections. Identifiers: Orphanet 91387, MedGen C4707243, MONDO:0019625.

Submission:

Color Diagnostics, LLC DBA Color Health
Classification: Uncertain significance for Familial thoracic aortic aneurysm and aortic dissection. Last evaluated: 2022-02-01. Review status: criteria provided, single submitter. Criteria: ACMG Guidelines, 2015. Collection method: clinical testing. Allele origin: germline.
Comment: This variant causes a deletion of four nucleotides in intron 39 of the COL3A1 gene. Splice site prediction tools predict that this variant may have a significant impact on RNA splicing. To our knowledge, functional studies have not been reported for this variant. This variant has not been reported in individuals affected with cardiovascular disorders in the literature. This variant has not been identified in the general population by the Genome Aggregation Database (gnomAD). The available evidence is insufficient to determine the role of this variant in disease conclusively. Therefore, this variant is classified as a Variant of Uncertain Significance.